The following is an entry in ClinVar:

NM_000264.5(PTCH1):c.224C>G (p.Ala75Gly)

Gene: PTCH1 (patched 1; minus strand). Cytogenetic location: 9q22.32.
Variant type: single nucleotide variant.
Coding change: c.224C>G on transcript NM_000264.5 (MANE Select); coding-DNA position 224, C replaced by G.
Protein change: p.Ala75Gly; replaces alanine 75 with glycine.
Molecular consequence: missense variant. On other transcripts: 5 prime UTR variant (4), non-coding transcript variant (1).
Genome position (GRCh38, 1-based): chr9:95,506,577, G>C on the plus strand (C>G on the coding strand, the complement: PTCH1 is on the minus strand). VCF-style: chr9-95506577-G-C. GRCh37 (hg19) VCF-style: chr9-98268859-G-C.
Other names: c.26C>G, p.Ala9Gly (NM_001083602.3, NM_001354919.2); c.221C>G, p.Ala74Gly (NM_001083603.3); c.-230C>G (NM_001083604.3, NM_001083605.3, NM_001083606.3 and 1 more transcripts); c.224C>G, p.Ala75Gly (NM_001354918.2); short protein forms A74G, A75G, A9G.
Identifiers: ClinVar variation 3230976 (VCV003230976.1), dbSNP rs2118880967, ClinGen allele CA374120690.

ClinVar aggregate classification (germline): Uncertain significance (1 of 4 stars; one submission).

Conditions:
Hereditary cancer-predisposing syndrome. Also called: Neoplastic Syndromes, Hereditary; Tumor predisposition; Hereditary neoplastic syndrome; Hereditary Cancer Syndrome. Identifiers: Orphanet 140162, MedGen C0027672, MeSH D009386, MONDO:0015356.

Submission:

Ambry Genetics
Classification: Uncertain significance for Hereditary cancer-predisposing syndrome. Last evaluated: 2024-01-12. Review status: criteria provided, single submitter. Criteria: Ambry Variant Classification Scheme 2023. Collection method: clinical testing. Allele origin: germline.
Comment: The p.A75G variant (also known as c.224C>G), located in coding exon 2 of the PTCH1 gene, results from a C to G substitution at nucleotide position 224. The alanine at codon 75 is replaced by glycine, an amino acid with similar properties. This amino acid position is conserved. In addition, the in silico prediction for this alteration is inconclusive. Since supporting evidence is limited at this time, the clinical significance of this alteration remains unclear.